The following is an entry in ClinVar:

ClinVar aggregate classification (germline): Benign (1 of 4 stars; one submission).

Conditions:
Holocarboxylase synthetase deficiency. Also called: MULTIPLE CARBOXYLASE DEFICIENCY, EARLY ONSET. Identifiers: Orphanet 79242, MedGen C0268581, MONDO:0009666, OMIM 253270.

Allele frequency attached by ClinVar (database versions not stated): TOPMed 0.01903; 1000 Genomes Project 0.02157; 1000 Genomes Project 30x 0.02311.

Submission:

Illumina Laboratory Services, Illumina
Classification: Benign for Holocarboxylase synthetase deficiency. Last evaluated: 2018-01-12. Review status: criteria provided, single submitter. Criteria: ICSL Variant Classification Criteria 13 December 2019. Collection method: clinical testing. Allele origin: germline.
Comment: This variant was observed in the ICSL laboratory as part of a predisposition screen in an ostensibly healthy population. It had not been previously curated by ICSL or reported in the Human Gene Mutation Database (HGMD: prior to June 1st, 2018), and was therefore a candidate for classification through an automated scoring system. Utilizing variant allele frequency, disease prevalence and penetrance estimates, and inheritance mode, an automated score was calculated to assess if this variant is too frequent to cause the disease. Based on the score and internal cut-off values, a variant classified as benign is not then subjected to further curation. The score for this variant resulted in a classification of benign for this disease.

NM_001352514.2(HLCS):c.*1206C>A

Gene: HLCS (holocarboxylase synthetase; minus strand). Cytogenetic location: 21q22.13.
Variant type: single nucleotide variant.
Coding change: c.*1206C>A on transcript NM_001352514.2 (MANE Select); 1206 bases downstream of the stop codon, C replaced by A.
Molecular consequence: 3 prime UTR variant. On other transcripts: non-coding transcript variant (2).
Genome position (GRCh38, 1-based): chr21:36,753,040, G>T on the plus strand (C>A on the coding strand, the complement: HLCS is on the minus strand). VCF-style: chr21-36753040-G-T. GRCh37 (hg19) VCF-style: chr21-38125341-G-T.
Other names: c.*1206C>A (NM_000411.8, NM_001242784.3, NM_001242785.2 and 4 more transcripts).
Identifiers: ClinVar variation 339944 (VCV000339944.5), dbSNP rs73902720, ClinGen allele CA10644682.